The following is an entry in ClinVar:

ClinVar aggregate classification (germline): Benign/Likely benign. Review status: criteria provided, multiple submitters, no conflicts (2 of 4 stars). 2 submissions from 2 submitters: Benign (1); Likely benign (1). Last evaluated 2025-02-19.

Conditions:
Breast-ovarian cancer, familial, susceptibility to, 3. Also called: RAD51C-Related Breast/Ovarian Cancer. Identifiers: Orphanet 145, MedGen C3150659, MONDO:0013253, OMIM 613399.

Submissions (2):

Myriad Genetics, Inc.
Classification: Benign for Breast-ovarian cancer, familial, susceptibility to, 3. Last evaluated: 2025-02-19. Review status: criteria provided, single submitter. Criteria: Myriad Autosomal Dominant, Autosomal Recessive and X-Linked Classification Criteria (2023). Collection method: clinical testing. Allele origin: unknown.
Comment: This variant is considered benign. This variant is a silent/synonymous amino acid change and it is not expected to impact splicing.

Women's Health and Genetics/Laboratory Corporation of America, LabCorp
Classification: Likely benign. Last evaluated: 2020-01-31. Review status: criteria provided, single submitter. Criteria: LabCorp Variant Classification Summary - May 2015. Collection method: clinical testing. Allele origin: germline.

NM_058216.3(RAD51C):c.780G>A (p.Arg260=)

Gene: RAD51C (RAD51 paralog C; plus strand). Cytogenetic location: 17q22.
Variant type: single nucleotide variant.
Coding change: c.780G>A on transcript NM_058216.3 (MANE Select); coding-DNA position 780, G replaced by A.
Protein change: p.Arg260=; no amino-acid change (arginine 260 retained).
Molecular consequence: synonymous variant. On other transcripts: non-coding transcript variant (1).
Genome position (GRCh38, 1-based): chr17:58,709,933, G>A. VCF-style: chr17-58709933-G-A. GRCh37 (hg19) VCF-style: chr17-56787294-G-A.
Identifiers: ClinVar variation 929181 (VCV000929181.2), dbSNP rs1460932618, ClinGen allele CA501075601.
Genomic context (GRCh38, chr17:58,709,933, plus strand): 5'-AGTGGATGGTATTGCTTTTCCATTTCGTCATGACCTAGATGACCTGTCTCTTCGTACTCG[G>A]TTATTAAATGGCCTAGCCCAGCAAATGATCAGCCTTGCAAATAATCACAGATTAGCTGTA-3'
Protein context (NP_478123.1, residues 250-270): HDLDDLSLRT[Arg260=]LLNGLAQQMI